The following is an entry in ClinVar:

NM_001134363.3(RBM20):c.3452-1G>C

Gene: RBM20 (RNA binding motif protein 20; plus strand). Cytogenetic location: 10q25.2.
Variant type: single nucleotide variant.
Coding change: c.3452-1G>C on transcript NM_001134363.3 (MANE Select); the canonical splice acceptor site of the intron before coding-DNA position 3452, G replaced by C.
Molecular consequence: splice acceptor variant.
Genome position (GRCh38, 1-based): chr10:110,831,060, G>C. VCF-style: chr10-110831060-G-C. GRCh37 (hg19) VCF-style: chr10-112590818-G-C.
Identifiers: ClinVar variation 4703335 (VCV004703335.1).

ClinVar aggregate classification (germline): Likely pathogenic (1 of 4 stars; one submission).

Conditions:
Dilated cardiomyopathy 1DD (CMD1DD). Identifiers: Orphanet 154, MedGen C2750995, MONDO:0013168, OMIM 613172.

gnomAD v4.1: 3 of 1,550,204 alleles (0.00019%); highest among the groups gnomAD compares: Non-Finnish European, 0.000087%; no homozygotes.

Submission:

Labcorp Genetics (formerly Invitae), Labcorp
Classification: Likely pathogenic for Dilated cardiomyopathy 1DD. Last evaluated: 2025-11-21. Review status: criteria provided, single submitter. Criteria: Invitae Variant Classification Sherloc (09022015). Collection method: clinical testing. Allele origin: germline.
Comment: This sequence change affects an acceptor splice site in intron 12 of the RBM20 gene. It is expected to disrupt RNA splicing. Variants that disrupt the donor or acceptor splice site typically lead to a loss of protein function (PMID: 16199547), and loss-of-function variants in RBM20 are known to be pathogenic (PMID: 20590677, 22004663, 38288598, 38510713, 40339755). This variant is not present in population databases (gnomAD no frequency). This variant has not been reported in the literature in individuals affected with RBM20-related conditions. Algorithms developed to predict the effect of sequence changes on RNA splicing suggest that this variant may disrupt the consensus splice site. In summary, the currently available evidence indicates that the variant is pathogenic, but additional data are needed to prove that conclusively. Therefore, this variant has been classified as Likely Pathogenic.

Literature cited by the submitters: PubMed 16199547; PubMed 20590677; PubMed 22004663; PubMed 38288598; PubMed 38510713; PubMed 40339755.